The following is an entry in ClinVar:

ClinVar aggregate classification (germline): Pathogenic (1 of 4 stars; one submission).

Conditions:
Lynch syndrome 5 (LYNCH5). Also called: Colorectal cancer, hereditary nonpolyposis, type 5; Hereditary non-polyposis colorectal cancer, type 5. Identifiers: Orphanet 144, MedGen C1833477, MONDO:0013710, OMIM 614350. Disease mechanism: loss of function.

Submission:

Myriad Genetics, Inc.
Classification: Pathogenic for Lynch syndrome 5. Last evaluated: 2023-08-28. Review status: criteria provided, single submitter. Criteria: Myriad Autosomal Dominant, Autosomal Recessive and X-Linked Classification Criteria (2023). Collection method: clinical testing. Allele origin: unknown.
Comment: This variant is considered pathogenic. This variant creates a frameshift predicted to result in premature protein truncation.

NM_000179.3(MSH6):c.3863_3864del (p.Lys1288fs)

Gene: MSH6 (mutS homolog 6; plus strand). Cytogenetic location: 2p16.3.
Variant type: Deletion.
Coding change: c.3863_3864del on transcript NM_000179.3 (MANE Select); coding-DNA positions 3863 to 3864, 2 bases deleted (AA; older notation c.3863_3864delAA).
Protein change: p.Lys1288fs; shifts the reading frame from lysine 1288.
Molecular consequence: frameshift variant. On other transcripts: non-coding transcript variant (5), intron variant (1).
Genome position (GRCh38, 1-based): chr2:47,806,513-47,806,514, AA deleted; deleting any 2 consecutive bases within chr2:47,806,512-47,806,514 gives the same sequence; the c. name uses the placement nearest the transcript's 3' end. VCF-style (leftmost placement, unchanged base first): chr2-47806511-TAA-T. GRCh37 (hg19) VCF-style: chr2-48033650-TAA-T.
Other names: c.3473_3474del, p.Lys1158fs (NM_001281492.2); c.2957_2958del, p.Lys986fs (NM_001281493.2, NM_001281494.2, NM_001406811.1 and 6 more transcripts); c.3959_3960del, p.Lys1320fs (NM_001406795.1); c.3863_3864del, p.Lys1288fs (NM_001406796.1, NM_001406808.1, NM_001406809.1); c.3566_3567del, p.Lys1189fs (NM_001406797.1, NM_001406801.1, NM_001406805.1 and 10 more transcripts); c.3689_3690del, p.Lys1230fs (NM_001406798.1); c.3338_3339del, p.Lys1113fs (NM_001406799.1, NM_001406806.1, NM_001406807.1); c.3850_3851del, p.Asn1284fs (NM_001406800.1); and 9 more; short protein forms K1000fs, K1113fs, K1158fs, K1189fs, K1230fs, K1232fs, K1262fs, K1288fs.
Identifiers: ClinVar variation 2673739 (VCV002673739.1), dbSNP rs878853739, ClinGen allele CA2695200638.